The following is an entry in ClinVar:

NM_138420.4(AHNAK2):c.8176G>A (p.Gly2726Ser)

Gene: AHNAK2 (AHNAK nucleoprotein 2; minus strand). Cytogenetic location: 14q32.33.
Variant type: single nucleotide variant.
Coding change: c.8176G>A on transcript NM_138420.4 (MANE Select); coding-DNA position 8176, G replaced by A.
Protein change: p.Gly2726Ser; replaces glycine 2726 with serine.
Molecular consequence: missense variant.
Genome position (GRCh38, 1-based): chr14:104,947,275, C>T on the plus strand (G>A on the coding strand, the complement: AHNAK2 is on the minus strand). VCF-style: chr14-104947275-C-T. GRCh37 (hg19) VCF-style: chr14-105413612-C-T.
Other names: c.7876G>A, p.Gly2626Ser (NM_001350929.2); short protein forms G2626S, G2726S.
Identifiers: ClinVar variation 2353798 (VCV002353798.26), dbSNP rs200397337, ClinGen allele CA7380212.

ClinVar aggregate classification (germline): Likely benign. Review status: criteria provided, multiple submitters, no conflicts (2 of 4 stars). 2 submissions from 2 submitters: Likely benign (2). Last evaluated 2023-04-01.

Allele frequency attached by ClinVar (database versions not stated): ExAC 0.00035; gnomAD exomes 0.00035; TOPMed 0.00038; gnomAD 0.00039; ESP Exome Variant Server 0.00067.
gnomAD v4.1: 578 of 1,611,338 alleles (0.036%); highest among the groups gnomAD compares: Non-Finnish European, 0.042%; 1 homozygote.

Submissions (2):

CeGaT Center for Human Genetics Tuebingen
Classification: Likely benign. Last evaluated: 2023-04-01. Review status: criteria provided, single submitter. Criteria: CeGaT Center For Human Genetics Tuebingen Variant Classification Criteria Version 2. Collection method: clinical testing. Allele origin: germline. Affected: yes. Observed: 1 variant allele.
Comment: AHNAK2: BP4

Ambry Genetics
Classification: Likely benign. Last evaluated: 2022-04-07. Review status: criteria provided, single submitter. Criteria: Ambry Variant Classification Scheme 2023. Collection method: clinical testing. Allele origin: germline.